The following is an entry in ClinVar:

ClinVar aggregate classification (germline): Uncertain significance. Review status: criteria provided, multiple submitters, no conflicts (2 of 4 stars). 2 submissions from 2 submitters: Uncertain significance (2). Last evaluated 2026-06-22.

Conditions:
Inborn genetic diseases. Identifiers: MedGen C0950123, MeSH D030342.
Early Myoclonic Encephalopathy. Identifiers: MedGen C0270855.

Allele frequency attached by ClinVar (database versions not stated): TOPMed 0.00001; ExAC 0.00001.
gnomAD v4.1: 1 of 1,613,462 alleles (0.000062%); highest among the groups gnomAD compares: Admixed American, 0.0017%; no homozygotes.

Submissions (2):

Ambry Genetics
Classification: Uncertain significance for Inborn genetic diseases. Last evaluated: 2026-06-22. Review status: criteria provided, single submitter. Criteria: Ambry Variant Classification Scheme 2023. Collection method: clinical testing. Allele origin: germline.
Comment: The c.1448A>T (p.H483L) alteration is located in exon 4 (coding exon 4) of the KCND2 gene. This alteration results from a A to T substitution at nucleotide position 1448, causing the histidine (H) at amino acid position 483 to be replaced by a leucine (L). Based on data from gnomAD, the T allele has an overall frequency of <0.001% (1/250728) total alleles studied. The highest observed frequency was 0.003% (1/34542) of Latino alleles. Based on insufficient or conflicting evidence, the clinical significance of this alteration remains unclear.

Labcorp Genetics (formerly Invitae), Labcorp
Classification: Uncertain significance for Early Myoclonic Encephalopathy. Last evaluated: 2024-08-21. Review status: criteria provided, single submitter. Criteria: Invitae Variant Classification Sherloc (09022015). Collection method: clinical testing. Allele origin: germline.
Comment: This sequence change replaces histidine, which is basic and polar, with leucine, which is neutral and non-polar, at codon 483 of the KCND2 protein (p.His483Leu). This variant is present in population databases (rs763247923, gnomAD 0.003%). This variant has not been reported in the literature in individuals affected with KCND2-related conditions. ClinVar contains an entry for this variant (Variation ID: 2181101). Invitae Evidence Modeling of protein sequence and biophysical properties (such as structural, functional, and spatial information, amino acid conservation, physicochemical variation, residue mobility, and thermodynamic stability) indicates that this missense variant is not expected to disrupt KCND2 protein function with a negative predictive value of 80%. In summary, the available evidence is currently insufficient to determine the role of this variant in disease. Therefore, it has been classified as a Variant of Uncertain Significance.

NM_012281.3(KCND2):c.1448A>T (p.His483Leu)

Gene: KCND2 (potassium voltage-gated channel subfamily D member 2; plus strand). Cytogenetic location: 7q31.31.
Variant type: single nucleotide variant.
Coding change: c.1448A>T on transcript NM_012281.3 (MANE Select); coding-DNA position 1448, A replaced by T.
Protein change: p.His483Leu; replaces histidine 483 with leucine.
Molecular consequence: missense variant.
Genome position (GRCh38, 1-based): chr7:120,742,583, A>T. VCF-style: chr7-120742583-A-T. GRCh37 (hg19) VCF-style: chr7-120382637-A-T.
Other names: c.1448A>T (NM_012281.2); short protein forms H483L.
Identifiers: ClinVar variation 2181101 (VCV002181101.5), dbSNP rs763247923, ClinGen allele CA4453681.
Genomic context (GRCh38, chr7:120,742,583, plus strand): 5'-AGCAGGCTTTTGTTAGCAAATCCGGCTCCAGCTTTGAAACCCAGCACCACCACCTGCTTC[A>T]CTGCCTGGAAAAAACCACGGTAAGGAGACAGCATGACTGCCTTCCCTTGCTCTCTGACAG-3'
Protein context (NP_036413.1, residues 473-493): SFETQHHHLL[His483Leu]CLEKTTNHEF